The following is an entry in ClinVar:

NM_032043.3(BRIP1):c.918+1G>A

Gene: BRIP1 (BRCA1 interacting DNA helicase 1; minus strand). Cytogenetic location: 17q23.2.
Variant type: single nucleotide variant.
Coding change: c.918+1G>A on transcript NM_032043.3 (MANE Select); the canonical splice donor site of the intron after coding-DNA position 918, G replaced by A.
Molecular consequence: splice donor variant.
Genome position (GRCh38, 1-based): chr17:61,808,466, C>T on the plus strand (G>A on the coding strand, the complement: BRIP1 is on the minus strand). VCF-style: chr17-61808466-C-T. GRCh37 (hg19) VCF-style: chr17-59885827-C-T.
Identifiers: ClinVar variation 141319 (VCV000141319.42), dbSNP rs587781655, ClinGen allele CA165105.

ClinVar aggregate classification (germline): Pathogenic/Likely pathogenic. Review status: criteria provided, multiple submitters, no conflicts (2 of 4 stars). 16 submissions from 16 submitters: Pathogenic (4); Likely pathogenic (11). 1 of the submissions does not count toward it. Last evaluated 2025-12-13.

Conditions:
Inherited ovarian cancer (without breast cancer).
Familial ovarian cancer. Identifiers: MedGen C5679802, MONDO:0016248.
Breast and/or ovarian cancer. Identifiers: MedGen CN221562.
Hereditary cancer-predisposing syndrome. Also called: Neoplastic Syndromes, Hereditary; Hereditary Cancer Syndrome; Hereditary neoplastic syndrome; Tumor predisposition. Identifiers: Orphanet 140162, MedGen C0027672, MeSH D009386, MONDO:0015356.
Familial cancer of breast. Also called: Hereditary breast cancer; hereditary breast carcinoma; BREAST CANCER, FAMILIAL. Identifiers: Orphanet 227535, MedGen C0346153, MONDO:0016419, OMIM 114480. Disease mechanism: loss of function.
Fanconi anemia complementation group J. Also called: BRIP1-Related Fanconi Anemia. Identifiers: Orphanet 84, MedGen C1836860, MONDO:0012187, OMIM 609054.
Ovarian cancer, susceptibility to, 1 (OVCAS1). Also called: Ovarian cancer 1. Identifiers: MedGen C2675601, MONDO:0011931, OMIM 607893.

Allele frequency attached by ClinVar (database versions not stated): gnomAD exomes 0.00001 and 0.00002; TOPMed 0.00004; gnomAD 0.00005 and 0.00006.
gnomAD v4.1: 15 of 1,610,958 alleles (0.00093%); highest among the groups gnomAD compares: Admixed American, 0.022%; no homozygotes.

Submissions (16):

Labcorp Genetics (formerly Invitae), Labcorp
Classification: Likely pathogenic for Familial cancer of breast; Fanconi anemia complementation group J. Last evaluated: 2025-12-13. Review status: criteria provided, single submitter. Criteria: Invitae Variant Classification Sherloc (09022015). Collection method: clinical testing. Allele origin: germline.
Comment: This sequence change affects a donor splice site in intron 7 of the BRIP1 gene. RNA analysis indicates that disruption of this splice site induces altered splicing and may result in an absent or altered protein product. This variant is present in population databases (rs587781655, gnomAD 0.01%). Disruption of this splice site has been observed in individual(s) with breast or ovarian cancer, or urothelial malignancies (PMID: 28888541, 29368626, 31794323). ClinVar contains an entry for this variant (Variation ID: 141319). Studies have shown that disruption of this splice site results in activation of a cryptic splice site, and produces a non-functional protein and/or introduces a premature termination codon (internal data). In summary, the currently available evidence indicates that the variant is pathogenic, but additional data are needed to prove that conclusively. Therefore, this variant has been classified as Likely Pathogenic.

Ambry Genetics
Classification: Likely pathogenic for Hereditary cancer-predisposing syndrome. Last evaluated: 2025-12-02. Review status: criteria provided, single submitter. Criteria: Ambry Variant Classification Scheme 2023. Collection method: clinical testing. Allele origin: germline.
Comment: The c.918+1G>A intronic variant results from a G to A substitution one nucleotide after coding exon 6 of the BRIP1 gene. This nucleotide position is highly conserved in available vertebrate species. In silico splice site analysis predicts that this alteration will weaken the native splice donor site. RNA studies have demonstrated that this alteration results in abnormal splicing in the set of samples tested (Ambry internal data). Alterations that disrupt the canonical splice site are expected to cause aberrant splicing, resulting in an abnormal protein or a transcript that is subject to nonsense-mediated mRNA decay. As such, this alteration is classified as likely pathogenic.

Genetics Laboratory, Great Ormond Street Hospital NHS Foundation Trust, North Thames Genomic Laboratory Hub
Classification: Likely pathogenic for Inherited ovarian cancer (without breast cancer). Last evaluated: 2025-09-17. Review status: criteria provided, single submitter. Criteria: CanVIG Consensus Spec V3.0. Collection method: clinical testing. Allele origin: germline. Affected: yes.
Comment: PS4_supporting, PM2_supporting, PVS1_strong

Molecular Diagnostics Laboratory, Catalan Institute of Oncology
Classification: Likely pathogenic for Hereditary cancer-predisposing syndrome. Last evaluated: 2025-08-24. Review status: criteria provided, single submitter. Criteria: ACMG Guidelines, 2015. Collection method: clinical testing. Allele origin: germline.
Comment: PVS1 (RNA), PM2_supporting c.918+1G>A, located in a canonic splicing site of the BRIP1 gene, is predicted to alter splicing probably causing the skipping of exon 7, (r.628_918del). This alteration would preserve reading frame and the variant would remove <10% of protein. However, RNA studies have shown that disruption of this splice site results in activation of a cryptic splice site and introduces a premature termination codon (external data from Invitae and Ambry) (PVS1 (RNA)). This variant is found in 4/267520 alleles at a frequency of 0.0015% in the gnomAD v2.1.1 database, non-cancer dataset (PM2_Supporting). To our knowledge, neither relevant clinical data nor well-established functional studies have been reported for this variant. It has been reported in the ClinVar database (10x likely pathogenic, 4x pathogenic) and in the LOVD database (1x not classified). Based on the currently available evidence, c.918+1G>A is classified as a likely pathogenic variant according to ACMG guidelines.

Molecular Pathology, Peter Maccallum Cancer Centre
Classification: Likely pathogenic for Familial ovarian cancer. Last evaluated: 2025-06-05. Review status: criteria provided, single submitter. Criteria: ACMG Guidelines, 2015. Collection method: clinical testing. Allele origin: germline. Inheritance: Autosomal dominant inheritance.

Quest Diagnostics Nichols Institute San Juan Capistrano
Classification: Likely pathogenic. Last evaluated: 2025-05-08. Review status: criteria provided, single submitter. Criteria: Quest Diagnostics criteria. Collection method: clinical testing. Allele origin: unknown.
Comment: The BRIP1 c.918+1G>A variant disrupts a canonical splice-donor site and is predicted to interfere with normal BRIP1 mRNA splicing. This variant has been reported in the published literature in individuals with uterine cancer (PMID: 39150540 (2024)), urothelial cancer (PMID: 31794323 (2020)), and breast and/or ovarian cancer (PMID: 26315354 (2015), 29368626 (2018), 33471991 (2021), see also LOVD). This variant has also been identified in reportedly unaffected individuals (PMID: 29922827 (2018)). The frequency of this variant in the general population (Genome Aggregation Database) is uninformative in the assessment of its pathogenicity. Based on the available information, this variant is classified as likely pathogenic.

Institute of Human Genetics, University of Leipzig Medical Center
Classification: Pathogenic for Ovarian cancer, susceptibility to, 1. Last evaluated: 2025-03-13. Review status: criteria provided, single submitter. Criteria: ACMG Guidelines, 2015. Collection method: clinical testing. Allele origin: maternal. Inheritance: Autosomal dominant inheritance. Affected: yes.
Comment: Criteria applied: PVS1,PS4_MOD

Genomic Medicine Center of Excellence, King Faisal Specialist Hospital and Research Centre
Classification: Pathogenic for Fanconi anemia complementation group J. Last evaluated: 2024-09-22. Review status: criteria provided, single submitter. Criteria: ACMG Guidelines, 2015. Collection method: clinical testing. Allele origin: germline.

Baylor Genetics
Classification: Likely pathogenic for Familial cancer of breast. Last evaluated: 2024-03-13. Review status: criteria provided, single submitter. Criteria: ACMG Guidelines, 2015. Collection method: clinical testing. Allele origin: unknown.

Color Diagnostics, LLC DBA Color Health
Classification: Likely pathogenic for Hereditary cancer-predisposing syndrome. Last evaluated: 2023-08-08. Review status: criteria provided, single submitter. Criteria: ACMG Guidelines, 2015. Collection method: clinical testing. Allele origin: germline.
Comment: This variant causes a G to A nucleotide substitution at the +1 position of intron 7 of the BRIP1 gene. Splice site prediction tools predict that this variant may have a significant impact on RNA splicing. Although this prediction has not been confirmed in published RNA studies, this variant is expected to result in an absent or disrupted protein product. To our knowledge, functional studies have not been reported for this variant. This variant has been reported in an individual affected with ovarian cancer (PMID: 26315354) and in an individual affected with breast or ovarian cancer (PMID: 26315354), and this variant also has been detected in a breast cancer case-control meta-analysis in 1/60466 cases and 0/53461 unaffected individuals (PMID: 33471991; Leiden Open Variation Database DB-ID BRIP1_000622). This variant has been identified in 4/250634 chromosomes in the general population by the Genome Aggregation Database (gnomAD). Loss of BRIP1 function is a known mechanism of disease. Based on the available evidence, this variant is classified as Likely Pathogenic.

CHEO Genetics Diagnostic Laboratory, Children's Hospital of Eastern Ontario
Classification: Likely pathogenic for Breast and/or ovarian cancer. Last evaluated: 2023-06-20. Review status: criteria provided, single submitter. Criteria: ACMG Guidelines, 2015. Collection method: clinical testing. Allele origin: germline.

Myriad Genetics, Inc.
Classification: Likely pathogenic for Familial cancer of breast. Last evaluated: 2023-06-01. Review status: criteria provided, single submitter. Criteria: Myriad Autosomal Dominant, Autosomal Recessive and X-Linked Classification Criteria (2023). Collection method: clinical testing. Allele origin: unknown.
Comment: This variant is considered likely pathogenic. This variant occurs within a consensus splice junction and is predicted to result in abnormal mRNA splicing of either an out-of-frame exon or an in-frame exon necessary for protein stability and/or normal function. Functional studies indicate this variant impacts protein function [PMID: 24573678].

Institute for Clinical Genetics, University Hospital TU Dresden, University Hospital TU Dresden
Classification: Pathogenic. Last evaluated: 2021-11-03. Review status: criteria provided, single submitter. Criteria: ACMG Guidelines, 2015. Collection method: clinical testing. Allele origin: germline.

GeneDx
Classification: Likely pathogenic. Last evaluated: 2019-08-12. Review status: criteria provided, single submitter. Criteria: GeneDx Variant Classification Process June 2021. Collection method: clinical testing. Allele origin: germline. Affected: yes.
Comment: Canonical splice site variant predicted to result in an in-frame deletion of a critical region: deleted region includes helicase domain IA and residues in the iron-sulfur motif (Cantor 2001, Rudolf 2006); Not observed at a significant frequency in large population cohorts (Lek 2016); Observed in individuals with personal and/or family history of breast or ovarian cancer (Ramus 2015, Weber-Lassalle 2018); This variant is associated with the following publications: (PMID: 26315354, 29368626)

Revvity Omics, Revvity
Classification: Pathogenic for Fanconi anemia complementation group J. Last evaluated: 2019-07-17. Review status: criteria provided, single submitter. Criteria: ACMG Guidelines, 2015. Collection method: clinical testing. Allele origin: germline.

Department of Pathology and Laboratory Medicine, Sinai Health System
Classification: Likely pathogenic. Review status: no assertion criteria provided. Collection method: clinical testing. Allele origin: unknown. Affected: yes. Study: The Canadian Open Genetics Repository (COGR). Not counted in ClinVar's aggregate classification.
Comment: The BRIP1 c.918+1G>A variant was identified in 1 of 6472 proband chromosomes (frequency: 0.00015) from individuals with epithelial ovarian cancer and was not identified in 6862 control chromosomes or 4000 chromosomes from unaffected women at high risk of ovarian cancer (Ramus_2015_PMID:26315354). The variant was identified in dbSNP (ID: rs587781655) and ClinVar (classified as likely pathogenic by Ambry Genetics, Invitae, and Quest Diagnostics, and as pathogenic by GeneDx) but was not identified in Cosmic. The variant was identified in control databases in 4 of 236118 chromosomes at a frequency of 0.00001694 (Genome Aggregation Database March 6, 2019, v2.1.1, non-cancer). The variant was observed in the Latino population in 4 of 34244 chromosomes (freq: 0.000117), but was not observed in the African, Ashkenazi Jewish, East Asian, European (Finnish), European (non-Finnish), Other, or South Asian populations. The c.918+1G>A variant is predicted to cause abnormal splicing because the nucleotide substitution occurs in the invariant region of the splice consensus sequence. In addition, in silico or computational prediction software programs (SpliceSiteFinder, MaxEntScan, NNSPLICE, GeneSplicer) predict a greater than 10% difference in splicing and the loss of the canonical 5' splice site. In summary, based on the above information the clinical significance of this variant cannot be determined with certainty at this time although we would lean towards a more pathogenic role for this variant. This variant is classified as likely pathogenic.

Literature cited by the submitters: PubMed 28888541 (cited by Labcorp Genetics (formerly Invitae), Labcorp and Ambry Genetics); PubMed 29368626 (cited by 3 submitters); PubMed 31794323 (cited by 3 submitters); PubMed 26315354 (cited by 3 submitters); PubMed 33471991 (cited by 3 submitters); PubMed 39150540 (cited by Quest Diagnostics Nichols Institute San Juan Capistrano); PubMed 29922827 (cited by Quest Diagnostics Nichols Institute San Juan Capistrano); PubMed 24573678 (cited by Myriad Genetics, Inc.).